The following is an entry in ClinVar:

NM_000979.4(RPL18):c.269T>C (p.Val90Ala)

Gene: RPL18 (ribosomal protein L18; minus strand). Cytogenetic location: 19q13.33.
Variant type: single nucleotide variant.
Coding change: c.269T>C on transcript NM_000979.4 (MANE Select); coding-DNA position 269, T replaced by C.
Protein change: p.Val90Ala; replaces valine 90 with alanine.
Molecular consequence: missense variant. On other transcripts: non-coding transcript variant (1).
Genome position (GRCh38, 1-based): chr19:48,616,754, A>G on the plus strand (T>C on the coding strand, the complement: RPL18 is on the minus strand). VCF-style: chr19-48616754-A-G. GRCh37 (hg19) VCF-style: chr19-49120011-A-G.
Other names: c.182T>C, p.Val61Ala (NM_001270490.2); short protein forms V61A, V90A.
Identifiers: ClinVar variation 3651661 (VCV003651661.2).

ClinVar aggregate classification (germline): Uncertain significance (1 of 4 stars; one submission).

Submission:

Labcorp Genetics (formerly Invitae), Labcorp
Classification: Uncertain significance. Last evaluated: 2024-04-30. Review status: criteria provided, single submitter. Criteria: Invitae Variant Classification Sherloc (09022015). Collection method: clinical testing. Allele origin: germline.
Comment: This sequence change replaces valine, which is neutral and non-polar, with alanine, which is neutral and non-polar, at codon 90 of the RPL18 protein (p.Val90Ala). This variant is not present in population databases (gnomAD no frequency). This variant has not been reported in the literature in individuals affected with RPL18-related conditions. An algorithm developed to predict the effect of missense changes on protein structure and function (PolyPhen-2) suggests that this variant is likely to be tolerated. In summary, the available evidence is currently insufficient to determine the role of this variant in disease. Therefore, it has been classified as a Variant of Uncertain Significance.